The following is an entry in ClinVar:

NM_015425.6(POLR1A):c.737A>T (p.Glu246Val)

Gene: POLR1A (RNA polymerase I subunit A; minus strand). Cytogenetic location: 2p11.2.
Variant type: single nucleotide variant.
Coding change: c.737A>T on transcript NM_015425.6 (MANE Select); coding-DNA position 737, A replaced by T.
Protein change: p.Glu246Val; replaces glutamic acid 246 with valine.
Molecular consequence: missense variant.
Genome position (GRCh38, 1-based): chr2:86,083,162, T>A on the plus strand (A>T on the coding strand, the complement: POLR1A is on the minus strand). VCF-style: chr2-86083162-T-A. GRCh37 (hg19) VCF-style: chr2-86310285-T-A.
Other names: short protein forms E246V.
Identifiers: ClinVar variation 3381648 (VCV003381648.1).
Genomic context (GRCh38, chr2:86,083,162, plus strand): 5'-GAAAGGTGTTCGCGGGCACTGGTGGGTGTTAAGTATCCTCGTTTTCCTATCTGAGCTTCC[T>A]CAATTCCTGGAGCCAAGGAGGAGAATCAAAGTGCAATAAATCAGAAACAGGTACTCTTTC-3'
Protein context (NP_056240.2, residues 236-256): GQKDSEPLGI[Glu246Val]EAQIGKRGYL

ClinVar aggregate classification (germline): Uncertain significance (1 of 4 stars; one submission).

Submission:

GeneDx
Classification: Uncertain significance. Last evaluated: 2024-05-24. Review status: criteria provided, single submitter. Criteria: GeneDx Variant Classification Process June 2021. Collection method: clinical testing. Allele origin: germline. Affected: yes.
Comment: Not observed at significant frequency in large population cohorts (gnomAD); In silico analysis indicates that this missense variant does not alter protein structure/function; Has not been previously published as pathogenic or benign to our knowledge